The following is an entry in ClinVar:

NM_001202.6(BMP4):c.370+1G>T

Gene: BMP4 (bone morphogenetic protein 4; minus strand). Cytogenetic location: 14q22.2.
Variant type: single nucleotide variant.
Coding change: c.370+1G>T on transcript NM_001202.6 (MANE Select); the canonical splice donor site of the intron after coding-DNA position 370, G replaced by T.
Molecular consequence: splice donor variant.
Genome position (GRCh38, 1-based): chr14:53,951,852, C>A on the plus strand (G>T on the coding strand, the complement: BMP4 is on the minus strand). VCF-style: chr14-53951852-C-A. GRCh37 (hg19) VCF-style: chr14-54418570-C-A.
Other names: c.511+1G>T (NM_001347912.1); c.370+1G>T (NM_130850.5, NM_001347916.1, NM_130851.4 and 1 more transcripts); c.181+1G>T (NM_001347913.2, NM_001347917.1, NM_001347915.2).
Identifiers: ClinVar variation 1311175 (VCV001311175.2), dbSNP rs2140237414, ClinGen allele CA389784994.
Genomic context (GRCh38, chr14:53,951,852, plus strand): 5'-CACTGCCCCTCTAGCCAGTCCCACCAGCCCTCCCCCACGCAGACTGGGGGAAGAGACTGA[C>A]CTTCGTGGTGGAAGCTCCTCACGGTGTTGGCCCGGCTGGCCGGGCGCTCAGGATACTCAA-3'

ClinVar aggregate classification (germline): Uncertain significance (1 of 4 stars; one submission).

Submission:

GeneDx
Classification: Uncertain significance. Last evaluated: 2020-01-16. Review status: criteria provided, single submitter. Criteria: GeneDx Variant Classification Process June 2021. Collection method: clinical testing. Allele origin: germline. Affected: yes.
Comment: Canonical splice site variant in a gene for which loss-of-function is not a known mechanism of disease; Not observed in large population cohorts (Lek et al., 2016); Has not been previously published as pathogenic or benign to our knowledge